The following is an entry in ClinVar:

NM_004483.5(GCSH):c.226C>T (p.Gln76Ter)

Gene: GCSH (glycine cleavage system protein H; minus strand). Cytogenetic location: 16q23.2.
Variant type: single nucleotide variant.
Coding change: c.226C>T on transcript NM_004483.5 (MANE Select); coding-DNA position 226, C replaced by T.
Protein change: p.Gln76Ter; replaces glutamine 76 with a stop codon.
Molecular consequence: nonsense. On other transcripts: non-coding transcript variant (1).
Genome position (GRCh38, 1-based): chr16:81,090,603, G>A on the plus strand (C>T on the coding strand, the complement: GCSH is on the minus strand). VCF-style: chr16-81090603-G-A. GRCh37 (hg19) VCF-style: chr16-81124208-G-A.
Other names: short protein forms Q76*.
Identifiers: ClinVar variation 265683 (VCV000265683.15), dbSNP rs769222264, ClinGen allele CA8186794.

ClinVar aggregate classification (germline): Pathogenic/Likely pathogenic. Review status: criteria provided, multiple submitters, no conflicts (2 of 4 stars). 5 submissions from 5 submitters: Pathogenic (3); Likely pathogenic (1). 1 of the submissions does not count toward it. Last evaluated 2023-05-04.

Conditions:
GCSH-related disorder. Also called: GCSH-related condition.
Multiple mitochondrial dysfunctions syndrome 7 (MMDS7). Identifiers: MedGen C5830586, MONDO:0957382, OMIM 620423.
Glycine encephalopathy. Also called: Non-ketotic hyperglycinemia; Nonketotic hyperglycinemia. Identifiers: Orphanet 407, MedGen C0751748, MONDO:0011612, HP:0008288.

Allele frequency attached by ClinVar (database versions not stated): ExAC 0.00001; gnomAD exomes 0.00002 and 0.00003.
gnomAD v4.1: 50 of 1,585,622 alleles (0.0032%); highest among the groups gnomAD compares: Non-Finnish European, 0.0038%; no homozygotes.

Submissions (5):

PreventionGenetics, part of Exact Sciences
Classification: Likely pathogenic for GCSH-related condition. Last evaluated: 2023-05-04. Review status: criteria provided, single submitter. Criteria: ACMG Guidelines, 2015. Collection method: clinical testing. Allele origin: germline.
Comment: The GCSH c.226C>T variant is predicted to result in premature protein termination (p.Gln76*). This variant has been reported as a carrier finding in three individual from a clinical exome carrier screening study (Table S1, Capalbo et al. 2019. PubMed ID: 31589614). This variant is reported in 0.0029% of alleles in individuals of Latino descent in gnomAD. Loss of function is not an established mechanism of GCSH-related disease. This variant is interpreted as likely pathogenic.

Labcorp Genetics (formerly Invitae), Labcorp
Classification: Pathogenic for Glycine encephalopathy. Last evaluated: 2022-10-03. Review status: criteria provided, single submitter. Criteria: Invitae Variant Classification Sherloc (09022015). Collection method: clinical testing. Allele origin: germline.
Comment: For these reasons, this variant has been classified as Pathogenic. Algorithms developed to predict the effect of sequence changes on RNA splicing suggest that this variant may disrupt the consensus splice site. ClinVar contains an entry for this variant (Variation ID: 265683). This variant has not been reported in the literature in individuals affected with GCSH-related conditions. This variant is present in population databases (rs769222264, gnomAD 0.003%). This sequence change creates a premature translational stop signal (p.Gln76*) in the GCSH gene. It is expected to result in an absent or disrupted protein product. Loss-of-function variants in GCSH are known to be pathogenic (PMID: 33890291).

GeneDx
Classification: Pathogenic. Last evaluated: 2016-08-23. Review status: criteria provided, single submitter. Criteria: GeneDx Variant Classification (06012015). Collection method: clinical testing. Allele origin: germline. Affected: yes.
Comment: The Q76X pathogenic variant in the GCSH gene has not been reported previously as a pathogenic variant nor as a benign variant, to our knowledge. This variant is predicted to cause loss of normal protein function either through protein truncation or nonsense-mediated mRNA decay. The Q76X variant was not observed in approximately 6,500 individuals of European and African American ancestry in the NHLBI Exome Sequencing Project, indicating it is not a common benign variant in these populations. We interpret Q76X as a pathogenic variant.

Juno Genomics, Hangzhou Juno Genomics, Inc
Classification: Pathogenic for Multiple mitochondrial dysfunctions syndrome 7. Review status: criteria provided, single submitter. Criteria: ACMG Guidelines, 2015. Collection method: clinical testing. Allele origin: germline.
Comment: Absent from controls (or at extremely low frequency if recessive) in Genome Aggregation Database.;Null variant in a gene where loss of function (LOF) is a known mechanism of disease.;For recessive disorders, detected in trans with a pathogenic variant.

OMIM
Classification: Pathogenic for MULTIPLE MITOCHONDRIAL DYSFUNCTIONS SYNDROME 7. Last evaluated: 2023-09-05. Review status: no assertion criteria provided. Collection method: literature only. Allele origin: germline. Not counted in ClinVar's aggregate classification.

Literature cited by the submitters: PubMed 33890291 (cited by Labcorp Genetics (formerly Invitae), Labcorp); PubMed 36190515 (cited by OMIM).